The following is an entry in ClinVar:

NM_032638.5(GATA2):c.575C>T (p.Ser192Phe)

Gene: GATA2 (GATA binding protein 2; minus strand). Cytogenetic location: 3q21.3.
Variant type: single nucleotide variant.
Coding change: c.575C>T on transcript NM_032638.5 (MANE Select); coding-DNA position 575, C replaced by T.
Protein change: p.Ser192Phe; replaces serine 192 with phenylalanine.
Molecular consequence: missense variant.
Genome position (GRCh38, 1-based): chr3:128,486,023, G>A on the plus strand (C>T on the coding strand, the complement: GATA2 is on the minus strand). VCF-style: chr3-128486023-G-A. GRCh37 (hg19) VCF-style: chr3-128204866-G-A.
Other names: c.575C>T, p.Ser192Phe (NM_001145661.2, NM_001145662.1); short protein forms S192F.
Identifiers: ClinVar variation 569966 (VCV000569966.10), dbSNP rs773786765, ClinGen allele CA2599998.

ClinVar aggregate classification (germline): Uncertain significance. Review status: criteria provided, multiple submitters, no conflicts (2 of 4 stars). 3 submissions from 3 submitters: Uncertain significance (3). Last evaluated 2025-07-03.

Conditions:
Acute myeloid leukemia (AML). Also called: Leukemia, acute myeloid, somatic; Leukemia, acute myelogenous, somatic; Acute myeloid leukemia, adult; AML adult; Acute non-lymphocytic leukemia; Acute granulocytic leukemia. Identifiers: Orphanet 519, MedGen C0023467, MeSH D015470, MONDO:0018874, OMIM 601626, HP:0004808. Disease mechanism: Constitutively activated FLT3.
Inborn genetic diseases. Identifiers: MedGen C0950123, MeSH D030342.
Deafness-lymphedema-leukemia syndrome. Also called: Emberger syndrome; Lymphedema, primary, with myelodysplasia. Identifiers: Orphanet 3226, MedGen C3279664, MONDO:0013540, OMIM 614038.
Monocytopenia with susceptibility to infections. Also called: IMMUNODEFICIENCY 21; MONOCYTOPENIA AND MYCOBACTERIAL INFECTION SYNDROME; MONOCYTOPENIA WITH SUSCEPTIBILITY TO MYCOBACTERIAL, FUNGAL, AND PAPILLOMAVIRUS INFECTIONS AND MYELODYSPLASIA; COMBINED IMMUNODEFICIENCY WITH SUSCEPTIBILITY TO MYCOBACTERIAL, VIRAL, AND FUNGAL INFECTIONS; Dendritic cell, monocyte, B lymphocyte, and natural killer lymphocyte deficiency; GATA2 DEFICIENCY. Identifiers: Orphanet 228423, MedGen C3280030, MONDO:0013607, OMIM 614172.

Allele frequency attached by ClinVar (database versions not stated): TOPMed below 0.00001; ExAC 0.00001; gnomAD exomes 0.00001.
gnomAD v4.1: 3 of 1,614,180 alleles (0.00019%); highest among the groups gnomAD compares: Admixed American, 0.005%; no homozygotes.

Submissions (3):

Ambry Genetics
Classification: Uncertain significance for Inborn genetic diseases. Last evaluated: 2025-07-03. Review status: criteria provided, single submitter. Criteria: Ambry Variant Classification Scheme 2023. Collection method: clinical testing. Allele origin: germline.
Comment: The p.S192F variant (also known as c.575C>T), located in coding exon 2 of the GATA2 gene, results from a C to T substitution at nucleotide position 575. The serine at codon 192 is replaced by phenylalanine, an amino acid with highly dissimilar properties. This amino acid position is highly conserved in available vertebrate species. In addition, this alteration is predicted to be deleterious by in silico analysis. Based on the available evidence, the clinical significance of this variant remains unclear.

Labcorp Genetics (formerly Invitae), Labcorp
Classification: Uncertain significance for Monocytopenia with susceptibility to infections; Deafness-lymphedema-leukemia syndrome. Last evaluated: 2024-06-18. Review status: criteria provided, single submitter. Criteria: Invitae Variant Classification Sherloc (09022015). Collection method: clinical testing. Allele origin: germline.
Comment: This sequence change replaces serine, which is neutral and polar, with phenylalanine, which is neutral and non-polar, at codon 192 of the GATA2 protein (p.Ser192Phe). This variant is present in population databases (rs773786765, gnomAD 0.006%). This variant has not been reported in the literature in individuals affected with GATA2-related conditions. ClinVar contains an entry for this variant (Variation ID: 569966). Advanced modeling of protein sequence and biophysical properties (such as structural, functional, and spatial information, amino acid conservation, physicochemical variation, residue mobility, and thermodynamic stability) has been performed at Invitae for this missense variant, however the output from this modeling did not meet the statistical confidence thresholds required to predict the impact of this variant on GATA2 protein function. In summary, the available evidence is currently insufficient to determine the role of this variant in disease. Therefore, it has been classified as a Variant of Uncertain Significance.

Baylor Genetics
Classification: Uncertain significance for Acute myeloid leukemia. Last evaluated: 2024-03-11. Review status: criteria provided, single submitter. Criteria: ACMG Guidelines, 2015. Collection method: clinical testing. Allele origin: unknown.